The following is an entry in ClinVar:

NM_001042492.3(NF1):c.62T>C (p.Leu21Pro)

Gene: NF1 (neurofibromin 1; plus strand). Cytogenetic location: 17q11.2.
Variant type: single nucleotide variant.
Coding change: c.62T>C on transcript NM_001042492.3 (MANE Select); coding-DNA position 62, T replaced by C.
Protein change: p.Leu21Pro; replaces leucine 21 with proline.
Molecular consequence: missense variant.
Genome position (GRCh38, 1-based): chr17:31,155,984, T>C. VCF-style: chr17-31155984-T-C. GRCh37 (hg19) VCF-style: chr17-29483002-T-C.
Other names: c.62T>C, p.Leu21Pro (NM_000267.4, NM_001128147.3); short protein forms L21P.
Identifiers: ClinVar variation 577584 (VCV000577584.7), dbSNP rs1567814403, ClinGen allele CA398988021.

ClinVar aggregate classification (germline): Uncertain significance. Review status: criteria provided, multiple submitters, no conflicts (2 of 4 stars). 3 submissions from 3 submitters: Uncertain significance (3). Last evaluated 2025-08-06.

Conditions:
Cardiovascular phenotype. Identifiers: MedGen CN230736.
Hereditary cancer-predisposing syndrome. Also called: Hereditary neoplastic syndrome; Tumor predisposition; Hereditary Cancer Syndrome; Neoplastic Syndromes, Hereditary. Identifiers: Orphanet 140162, MedGen C0027672, MeSH D009386, MONDO:0015356.
Neurofibromatosis, type 1 (NF1). Also called: Peripheral type neurofibromatosis; Neurofibromatosis, type I; VON RECKLINGHAUSEN DISEASE; NEUROFIBROMATOSIS, TYPE I, SOMATIC. Identifiers: Orphanet 636, MedGen C0027831, MONDO:0018975, OMIM 162200. Disease mechanism: loss of function.

Submissions (3):

Ambry Genetics
Classification: Uncertain significance for Cardiovascular phenotype; Hereditary cancer-predisposing syndrome. Last evaluated: 2025-08-06. Review status: criteria provided, single submitter. Criteria: Ambry Variant Classification Scheme 2023. Collection method: clinical testing. Allele origin: germline.
Comment: The p.L21P variant (also known as c.62T>C), located in coding exon 2 of the NF1 gene, results from a T to C substitution at nucleotide position 62. The leucine at codon 21 is replaced by proline, an amino acid with similar properties. This variant was identified in multiple patients with a clinical diagnoses or suspicion of NF1 (Sabbagh A et al. Hum Mutat, 2013 Nov;34:1510-8; Stella A et al. Genes (Basel), 2018 Apr;9; Kang E et al. J Hum Genet, 2020 Jan;65:79-89). This amino acid position is highly conserved in available vertebrate species. In addition, this alteration is predicted to be deleterious by in silico analysis. Based on the available evidence, the clinical significance of this variant remains unclear.

Labcorp Genetics (formerly Invitae), Labcorp
Classification: Uncertain significance for Neurofibromatosis, type 1. Last evaluated: 2022-08-09. Review status: criteria provided, single submitter. Criteria: Invitae Variant Classification Sherloc (09022015). Collection method: clinical testing. Allele origin: germline.
Comment: In summary, the available evidence is currently insufficient to determine the role of this variant in disease. Therefore, it has been classified as a Variant of Uncertain Significance. This variant disrupts the p.Leu21 amino acid residue in NF1. Other variant(s) that disrupt this residue have been observed in individuals with NF1-related conditions (PMID: 23913538, 31776437; Invitae), which suggests that this may be a clinically significant amino acid residue. Algorithms developed to predict the effect of missense changes on protein structure and function are either unavailable or do not agree on the potential impact of this missense change (SIFT: "Deleterious"; PolyPhen-2: "Benign"; Align-GVGD: "Class C0"). ClinVar contains an entry for this variant (Variation ID: 577584). This missense change has been observed in individual(s) with clinical features of neurofibromatosis, type 1 (PMID: 23913538, 31776437). This variant is not present in population databases (gnomAD no frequency). This sequence change replaces leucine, which is neutral and non-polar, with proline, which is neutral and non-polar, at codon 21 of the NF1 protein (p.Leu21Pro).

Quest Diagnostics Nichols Institute San Juan Capistrano
Classification: Uncertain significance. Last evaluated: 2021-07-10. Review status: criteria provided, single submitter. Criteria: Quest Diagnostics criteria. Collection method: clinical testing. Allele origin: unknown.

Literature cited by the submitters: PubMed 23913538 (cited by 3 submitters); PubMed 29673180 (cited by Ambry Genetics); PubMed 31776437 (cited by Ambry Genetics and Labcorp Genetics (formerly Invitae), Labcorp).